The following is an entry in ClinVar:

NM_152703.5(SAMD9L):c.571A>G (p.Asn191Asp)

Gene: SAMD9L (sterile alpha motif domain containing 9 like; minus strand). Cytogenetic location: 7q21.2.
Variant type: single nucleotide variant.
Coding change: c.571A>G on transcript NM_152703.5 (MANE Select); coding-DNA position 571, A replaced by G.
Protein change: p.Asn191Asp; replaces asparagine 191 with aspartic acid.
Molecular consequence: missense variant.
Genome position (GRCh38, 1-based): chr7:93,135,401, T>C on the plus strand (A>G on the coding strand, the complement: SAMD9L is on the minus strand). VCF-style: chr7-93135401-T-C. GRCh37 (hg19) VCF-style: chr7-92764714-T-C.
Other names: c.571A>G, p.Asn191Asp (NM_001303496.3, NM_001303497.3, NM_001303498.3 and 5 more transcripts); short protein forms N191D.
Identifiers: ClinVar variation 4774639 (VCV004774639.1).

ClinVar aggregate classification (germline): Uncertain significance (1 of 4 stars; one submission).

Submission:

Labcorp Genetics (formerly Invitae), Labcorp
Classification: Uncertain significance. Last evaluated: 2026-01-06. Review status: criteria provided, single submitter. Criteria: Invitae Variant Classification Sherloc (09022015). Collection method: clinical testing. Allele origin: germline.
Comment: This sequence change replaces asparagine, which is neutral and polar, with aspartic acid, which is acidic and polar, at codon 191 of the SAMD9L protein (p.Asn191Asp). This variant is not present in population databases (gnomAD no frequency). This variant has not been reported in the literature in individuals affected with SAMD9L-related conditions. An algorithm developed to predict the effect of missense changes on protein structure and function (PolyPhen-2) suggests that this variant is likely to be disruptive. In summary, the available evidence is currently insufficient to determine the role of this variant in disease. Therefore, it has been classified as a Variant of Uncertain Significance.